The following is an entry in ClinVar:

NM_000387.6(SLC25A20):c.611T>C (p.Val204Ala)

Gene: SLC25A20 (solute carrier family 25 member 20; minus strand). Cytogenetic location: 3p21.31.
Variant type: single nucleotide variant.
Coding change: c.611T>C on transcript NM_000387.6 (MANE Select); coding-DNA position 611, T replaced by C.
Protein change: p.Val204Ala; replaces valine 204 with alanine.
Molecular consequence: missense variant.
Genome position (GRCh38, 1-based): chr3:48,859,199, A>G on the plus strand (T>C on the coding strand, the complement: SLC25A20 is on the minus strand). VCF-style: chr3-48859199-A-G. GRCh37 (hg19) VCF-style: chr3-48896632-A-G.
Other names: short protein forms V204A.
Identifiers: ClinVar variation 1990602 (VCV001990602.1), dbSNP rs1167656340, ClinGen allele CA352626670.

ClinVar aggregate classification (germline): Uncertain significance (1 of 4 stars; one submission).

Conditions:
Carnitine acylcarnitine translocase deficiency (CACTD). Identifiers: Orphanet 159, MedGen C0342791, MONDO:0008918, OMIM 212138.

Allele frequency attached by ClinVar (database versions not stated): TOPMed 0.00001.

Submission:

Labcorp Genetics (formerly Invitae), Labcorp
Classification: Uncertain significance for Carnitine acylcarnitine translocase deficiency. Last evaluated: 2022-04-25. Review status: criteria provided, single submitter. Criteria: Invitae Variant Classification Sherloc (09022015). Collection method: clinical testing. Allele origin: germline.
Comment: This sequence change replaces valine, which is neutral and non-polar, with alanine, which is neutral and non-polar, at codon 204 of the SLC25A20 protein (p.Val204Ala). This variant is present in population databases (no rsID available, gnomAD no frequency). This variant has not been reported in the literature in individuals affected with SLC25A20-related conditions. Algorithms developed to predict the effect of missense changes on protein structure and function are either unavailable or do not agree on the potential impact of this missense change (SIFT: "Deleterious"; PolyPhen-2: "Benign"; Align-GVGD: "Class C0"). In summary, the available evidence is currently insufficient to determine the role of this variant in disease. Therefore, it has been classified as a Variant of Uncertain Significance.